The following is an entry in ClinVar:

ClinVar aggregate classification (germline): Uncertain significance (1 of 4 stars; one submission).

Submission:

Labcorp Genetics (formerly Invitae), Labcorp
Classification: Uncertain significance. Last evaluated: 2020-12-22. Review status: criteria provided, single submitter. Criteria: Invitae Variant Classification Sherloc (09022015). Collection method: clinical testing. Allele origin: germline.
Comment: In summary, the available evidence is currently insufficient to determine the role of this variant in disease. Therefore, it has been classified as a Variant of Uncertain Significance. Advanced modeling of protein sequence and biophysical properties (such as structural, functional, and spatial information, amino acid conservation, physicochemical variation, residue mobility, and thermodynamic stability) performed at Invitae indicates that this missense variant is not expected to disrupt CDHR1 protein function. This variant has not been reported in the literature in individuals with CDHR1-related conditions. This variant is not present in population databases (ExAC no frequency). This sequence change replaces histidine with arginine at codon 319 of the CDHR1 protein (p.His319Arg). The histidine residue is moderately conserved and there is a small physicochemical difference between histidine and arginine.

NM_033100.4(CDHR1):c.956A>G (p.His319Arg)

Gene: CDHR1 (cadherin related family member 1; plus strand). Cytogenetic location: 10q23.1.
Variant type: single nucleotide variant.
Coding change: c.956A>G on transcript NM_033100.4 (MANE Select); coding-DNA position 956, A replaced by G.
Protein change: p.His319Arg; replaces histidine 319 with arginine.
Molecular consequence: missense variant.
Genome position (GRCh38, 1-based): chr10:84,205,920, A>G. VCF-style: chr10-84205920-A-G. GRCh37 (hg19) VCF-style: chr10-85965676-A-G.
Other names: c.956A>G, p.His319Arg (NM_001171971.3); short protein forms H319R.
Identifiers: ClinVar variation 1358486 (VCV001358486.8), dbSNP rs2132814824, ClinGen allele CA377374015.